The following is an entry in ClinVar:

NM_022089.4(ATP13A2):c.3144C>G (p.Thr1048=)

Gene: ATP13A2 (ATPase cation transporting 13A2; minus strand). Cytogenetic location: 1p36.13.
Variant type: single nucleotide variant.
Coding change: c.3144C>G on transcript NM_022089.4 (MANE Select); coding-DNA position 3144, C replaced by G.
Protein change: p.Thr1048=; no amino-acid change (threonine 1048 retained).
Molecular consequence: synonymous variant.
Genome position (GRCh38, 1-based): chr1:16,986,896, G>C on the plus strand (C>G on the coding strand, the complement: ATP13A2 is on the minus strand). VCF-style: chr1-16986896-G-C. GRCh37 (hg19) VCF-style: chr1-17313391-G-C.
Other names: c.3129C>G, p.Thr1043= (NM_001141973.3); c.3012C>G, p.Thr1004= (NM_001141974.3).
Identifiers: ClinVar variation 128472 (VCV000128472.63), dbSNP rs56126202, ClinGen allele CA151957.

ClinVar aggregate classification (germline): Benign/Likely benign. Review status: criteria provided, multiple submitters, no conflicts (2 of 4 stars). 9 submissions from 9 submitters: Benign (6); Likely benign (1). 2 of the submissions do not count toward it. Last evaluated 2026-02-04.

Conditions:
ATP13A2-related disorder. Also called: ATP13A2-related disorders; ATP13A2-related condition.
Autosomal recessive spastic paraplegia type 78. Identifiers: Orphanet 513436, MedGen C5567893, MONDO:0014975, OMIM 617225.
Kufor-Rakeb syndrome (KRS). Also called: PARKINSON DISEASE 9, AUTOSOMAL RECESSIVE, JUVENILE-ONSET. Identifiers: Orphanet 306674, Orphanet 314632, MedGen C1847640, MONDO:0011706, OMIM 606693.
Inborn genetic diseases. Identifiers: MedGen C0950123, MeSH D030342.

Allele frequency attached by ClinVar (database versions not stated): gnomAD exomes 0.00922; ExAC 0.01105; gnomAD 0.03553 and 0.03793; ESP Exome Variant Server 0.03668; TOPMed 0.03757; 1000 Genomes Project 0.04034; 1000 Genomes Project 30x 0.04247.
gnomAD v4.1: 10,985 of 1,614,010 alleles (0.68%); highest among the groups gnomAD compares: African/African-American, 12%; 554 homozygotes.

Submissions (9):

Labcorp Genetics (formerly Invitae), Labcorp
Classification: Benign for Kufor-Rakeb syndrome; Autosomal recessive spastic paraplegia type 78. Last evaluated: 2026-02-04. Review status: criteria provided, single submitter. Criteria: Invitae Variant Classification Sherloc (09022015). Collection method: clinical testing. Allele origin: germline.

PreventionGenetics, part of Exact Sciences
Classification: Benign for ATP13A2-related condition. Last evaluated: 2025-05-27. Review status: criteria provided, single submitter. Criteria: ACMG Guidelines, 2015. Collection method: clinical testing. Allele origin: germline.
Comment: This variant is classified as benign based on ACMG/AMP sequence variant interpretation guidelines (Richards et al. 2015 PMID: 25741868, with internal and published modifications).

GeneDx
Classification: Benign. Last evaluated: 2018-07-05. Review status: criteria provided, single submitter. Criteria: GeneDx Variant Classification Process June 2021. Collection method: clinical testing. Allele origin: germline. Affected: yes.

Illumina Laboratory Services, Illumina
Classification: Benign for Kufor-Rakeb syndrome. Last evaluated: 2018-01-12. Review status: criteria provided, single submitter. Criteria: ICSL Variant Classification Criteria 13 December 2019. Collection method: clinical testing. Allele origin: germline.
Comment: This variant was observed in the ICSL laboratory as part of a predisposition screen in an ostensibly healthy population. It had not been previously curated by ICSL or reported in the Human Gene Mutation Database (HGMD: prior to June 1st, 2018), and was therefore a candidate for classification through an automated scoring system. Utilizing variant allele frequency, disease prevalence and penetrance estimates, and inheritance mode, an automated score was calculated to assess if this variant is too frequent to cause the disease. Based on the score and internal cut-off values, a variant classified as benign is not then subjected to further curation. The score for this variant resulted in a classification of benign for this disease.

Athena Diagnostics
Classification: Benign. Last evaluated: 2017-11-17. Review status: criteria provided, single submitter. Criteria: Athena Diagnostics Criteria. Collection method: clinical testing. Allele origin: germline.

Ambry Genetics
Classification: Benign for Inborn genetic diseases. Last evaluated: 2016-03-02. Review status: criteria provided, single submitter. Criteria: Ambry Variant Classification Scheme 2023. Collection method: clinical testing. Allele origin: germline.

Breakthrough Genomics
Classification: Likely benign. Review status: criteria provided, single submitter. Criteria: ACMG Guidelines, 2015. Collection method: not provided. Allele origin: germline. Inheritance: Autosomal recessive inheritance. Affected: yes.

Mayo Clinic Laboratories, Mayo Clinic
Classification: Benign. Last evaluated: 2017-09-26. Review status: no assertion criteria provided. Collection method: clinical testing. Allele origin: unknown. Not counted in ClinVar's aggregate classification.

Genetic Services Laboratory, University of Chicago
Classification: Likely benign for AllHighlyPenetrant. Review status: no assertion criteria provided. Collection method: clinical testing. Allele origin: germline. Inheritance: Autosomal recessive inheritance. Not counted in ClinVar's aggregate classification.
Comment: Likely benign based on allele frequency in 1000 Genomes Project or ESP global frequency and its presence in a patient with a rare or unrelated disease phenotype. NOT Sanger confirmed.